The following is an entry in ClinVar:

NM_006009.4(TUBA1A):c.1181A>G (p.Lys394Arg)

Gene: TUBA1A (tubulin alpha 1a; minus strand). Cytogenetic location: 12q13.12.
Variant type: single nucleotide variant.
Coding change: c.1181A>G on transcript NM_006009.4 (MANE Select); coding-DNA position 1181, A replaced by G.
Protein change: p.Lys394Arg; replaces lysine 394 with arginine.
Molecular consequence: missense variant.
Genome position (GRCh38, 1-based): chr12:49,185,185, T>C on the plus strand (A>G on the coding strand, the complement: TUBA1A is on the minus strand). VCF-style: chr12-49185185-T-C. GRCh37 (hg19) VCF-style: chr12-49578968-T-C.
Other names: c.1181A>G, p.Lys394Arg (NM_001270399.2); c.1076A>G, p.Lys359Arg (NM_001270400.2); short protein forms K359R, K394R.
Identifiers: ClinVar variation 1211836 (VCV001211836.4), dbSNP rs2121241553, ClinGen allele CA384634991.

ClinVar aggregate classification (germline): Pathogenic (1 of 4 stars; one submission).

Submission:

GeneDx
Classification: Pathogenic. Last evaluated: 2025-09-15. Review status: criteria provided, single submitter. Criteria: GeneDx Variant Classification Process June 2021. Collection method: clinical testing. Allele origin: germline. Affected: yes.
Comment: Not observed at significant frequency in large population cohorts (gnomAD); Missense variants in this gene are a common cause of disease and they are underrepresented in the general population; Has not been previously published as pathogenic or benign in association with a clinical phenotype to our knowledge; In silico analysis suggests that this missense variant does not alter protein structure/function; This variant is associated with the following publications: (PMID: 33127671)